The following is an entry in ClinVar:

NM_015466.4(PTPN23):c.4129C>T (p.His1377Tyr)

Gene: PTPN23 (protein tyrosine phosphatase non-receptor type 23; plus strand). Cytogenetic location: 3p21.31.
Variant type: single nucleotide variant.
Coding change: c.4129C>T on transcript NM_015466.4 (MANE Select); coding-DNA position 4129, C replaced by T.
Protein change: p.His1377Tyr; replaces histidine 1377 with tyrosine.
Molecular consequence: missense variant.
Genome position (GRCh38, 1-based): chr3:47,412,149, C>T. VCF-style: chr3-47412149-C-T. GRCh37 (hg19) VCF-style: chr3-47453639-C-T.
Other names: c.3751C>T, p.His1251Tyr (NM_001304482.2); short protein forms H1251Y, H1377Y.
Identifiers: ClinVar variation 1965976 (VCV001965976.5), dbSNP rs373091751, ClinGen allele CA2366472.
Genomic context (GRCh38, chr3:47,412,149, plus strand): 5'-CACAGAGGCCTGCCCGACAGCCCCAGCAACTTGCTGCGCTTCATCCAGGAGGTGCACGCA[C>T]ATTACCTGCATCAGCGGCCGCTGCACACGCCCATCATTGTGCACTGCAGGTAGAGGGTGG-3'
Protein context (NP_056281.1, residues 1367-1387): LLRFIQEVHA[His1377Tyr]YLHQRPLHTP

ClinVar aggregate classification (germline): Uncertain significance (1 of 4 stars; one submission).

Allele frequency attached by ClinVar (database versions not stated): gnomAD exomes below 0.00001; gnomAD 0.00001; ExAC 0.00003; TOPMed 0.00004; ESP Exome Variant Server 0.00015.
gnomAD v4.1: 6 of 1,613,098 alleles (0.00037%); highest among the groups gnomAD compares: African/African-American, 0.008%; no homozygotes.

Submission:

Labcorp Genetics (formerly Invitae), Labcorp
Classification: Uncertain significance. Last evaluated: 2022-08-19. Review status: criteria provided, single submitter. Criteria: Invitae Variant Classification Sherloc (09022015). Collection method: clinical testing. Allele origin: germline.
Comment: Algorithms developed to predict the effect of missense changes on protein structure and function (SIFT, PolyPhen-2, Align-GVGD) all suggest that this variant is likely to be tolerated. This variant has not been reported in the literature in individuals affected with PTPN23-related conditions. This variant is present in population databases (rs373091751, gnomAD 0.02%). This sequence change replaces histidine, which is basic and polar, with tyrosine, which is neutral and polar, at codon 1377 of the PTPN23 protein (p.His1377Tyr). In summary, the available evidence is currently insufficient to determine the role of this variant in disease. Therefore, it has been classified as a Variant of Uncertain Significance.